The following is an entry in ClinVar:

NM_017882.3(CLN6):c.*667G>A

Gene: CLN6 (CLN6 transmembrane ER protein; minus strand). Cytogenetic location: 15q23.
Variant type: single nucleotide variant.
Coding change: c.*667G>A on transcript NM_017882.3 (MANE Select); 667 bases downstream of the stop codon, G replaced by A.
Molecular consequence: 3 prime UTR variant.
Genome position (GRCh38, 1-based): chr15:68,207,473, C>T on the plus strand (G>A on the coding strand, the complement: CLN6 is on the minus strand). VCF-style: chr15-68207473-C-T. GRCh37 (hg19) VCF-style: chr15-68499811-C-T.
Identifiers: ClinVar variation 316973 (VCV000316973.5), dbSNP rs111879561, ClinGen allele CA10647345.

ClinVar aggregate classification (germline): Benign (1 of 4 stars; one submission).

Conditions:
Neuronal ceroid lipofuscinosis. Also called: Neuronal Ceroid Lipofuscinoses. Identifiers: Orphanet 216, Orphanet 79263, MedGen C0027877, MONDO:0016295. Disease mechanism: loss of function.

Allele frequency attached by ClinVar (database versions not stated): gnomAD 0.00596; gnomAD exomes 0.00658; TOPMed 0.00715; 1000 Genomes Project 30x 0.01046; 1000 Genomes Project 0.01058.
gnomAD v4.1: 956 of 156,840 alleles (0.61%); highest among the groups gnomAD compares: East Asian, 3.2%; 4 homozygotes.

Submission:

Illumina Laboratory Services, Illumina
Classification: Benign for Neuronal ceroid lipofuscinosis. Last evaluated: 2018-01-13. Review status: criteria provided, single submitter. Criteria: ICSL Variant Classification Criteria 13 December 2019. Collection method: clinical testing. Allele origin: germline.
Comment: This variant was observed in the ICSL laboratory as part of a predisposition screen in an ostensibly healthy population. It had not been previously curated by ICSL or reported in the Human Gene Mutation Database (HGMD: prior to June 1st, 2018), and was therefore a candidate for classification through an automated scoring system. Utilizing variant allele frequency, disease prevalence and penetrance estimates, and inheritance mode, an automated score was calculated to assess if this variant is too frequent to cause the disease. Based on the score and internal cut-off values, a variant classified as benign is not then subjected to further curation. The score for this variant resulted in a classification of benign for this disease.